The following is an entry in ClinVar:

ClinVar aggregate classification (germline): Conflicting classifications of pathogenicity. Review status: criteria provided, conflicting classifications (1 of 4 stars). 2 submissions from 2 submitters: Uncertain significance (1); Likely benign (1). Last evaluated 2026-01-17.

Allele frequency attached by ClinVar (database versions not stated): gnomAD 0.00005; gnomAD exomes 0.00002; ExAC 0.00002; TOPMed 0.00001.
gnomAD v4.1: 38 of 1,614,056 alleles (0.0024%); highest among the groups gnomAD compares: Non-Finnish European, 0.0031%; no homozygotes.

Submissions (2):

Labcorp Genetics (formerly Invitae), Labcorp
Classification: Uncertain significance. Last evaluated: 2026-01-17. Review status: criteria provided, single submitter. Criteria: Invitae Variant Classification Sherloc (09022015). Collection method: clinical testing. Allele origin: germline.
Comment: This sequence change falls in intron 5 of the AP2M1 gene. It does not directly change the encoded amino acid sequence of the AP2M1 protein. It affects a nucleotide within the consensus splice site. This variant is present in population databases (rs772648593, gnomAD 0.009%). This variant has been observed in individual(s) with clinical features of AP2M1-related conditions (internal data). ClinVar contains an entry for this variant (Variation ID: 2963271). Variants that disrupt the consensus splice site are a relatively common cause of aberrant splicing (PMID: 17576681, 9536098). Algorithms developed to predict the effect of sequence changes on RNA splicing suggest that this variant is not likely to affect RNA splicing. In summary, the available evidence is currently insufficient to determine the role of this variant in disease. Therefore, it has been classified as a Variant of Uncertain Significance.

Laboratory of Genetics, Children's Clinical University Hospital Latvia
Classification: Likely benign. Last evaluated: 2025-02-16. Review status: criteria provided, single submitter. Criteria: ACMG Guidelines, 2015. Collection method: clinical testing. Allele origin: germline. Affected: yes.

Literature cited by the submitters: PubMed 17576681 (cited by Labcorp Genetics (formerly Invitae), Labcorp); PubMed 9536098 (cited by Labcorp Genetics (formerly Invitae), Labcorp).

NM_004068.4(AP2M1):c.429+3A>G

Gene: AP2M1 (adaptor related protein complex 2 subunit mu 1; plus strand). Cytogenetic location: 3q27.1.
Variant type: single nucleotide variant.
Coding change: c.429+3A>G on transcript NM_004068.4 (MANE Select); 3 bases into the intron after coding-DNA position 429, A replaced by G.
Molecular consequence: intron variant.
Genome position (GRCh38, 1-based): chr3:184,180,653, A>G. VCF-style: chr3-184180653-A-G. GRCh37 (hg19) VCF-style: chr3-183898441-A-G.
Other names: c.504+3A>G (NM_001311198.2); c.424-196A>G (NM_001025205.2).
Identifiers: ClinVar variation 2963271 (VCV002963271.4), dbSNP rs772648593, ClinGen allele CA2727727.
Genomic context (GRCh38, chr3:184,180,653, plus strand): 5'-CTGCCTCCCTTGCTGCTTCATGTGGGCACCTCGTTGGCCCTGCGGCCTCCAGCATCAGGT[A>G]AGCTCTTCCCTCAGCTTCCACCCTTGCAGCTTTGCTTTGTTTCTCCAGGCCCTGCCCTTT-3'